The following is an entry in ClinVar:

ClinVar aggregate classification (germline): Pathogenic (1 of 4 stars; one submission).

Submission:

Labcorp Genetics (formerly Invitae), Labcorp
Classification: Pathogenic. Last evaluated: 2023-06-23. Review status: criteria provided, single submitter. Criteria: Invitae Variant Classification Sherloc (09022015). Collection method: clinical testing. Allele origin: germline.
Comment: For these reasons, this variant has been classified as Pathogenic. This variant has not been reported in the literature in individuals affected with CANT1-related conditions. This variant is not present in population databases (gnomAD no frequency). This sequence change creates a premature translational stop signal (p.Arg42Alafs*4) in the CANT1 gene. It is expected to result in an absent or disrupted protein product. Loss-of-function variants in CANT1 are known to be pathogenic (PMID: 19853239, 21037275, 22539336).

Literature cited by the submitters: PubMed 19853239; PubMed 21037275; PubMed 22539336.

NM_001159773.2(CANT1):c.124del (p.Arg42fs)

Gene: CANT1 (calcium activated nucleotidase 1; minus strand). Cytogenetic location: 17q25.3.
Variant type: Deletion.
Coding change: c.124del on transcript NM_001159773.2 (MANE Select); coding-DNA position 124, one base deleted (C; older notation c.124delC).
Protein change: p.Arg42fs; shifts the reading frame from arginine 42.
Molecular consequence: frameshift variant.
Genome position (GRCh38, 1-based): chr17:78,997,499, G deleted on the plus strand (C on the coding strand, the reverse complement: CANT1 is on the minus strand); the first of 5 consecutive G bases (chr17:78,997,499-78,997,503); deleting any one gives the same sequence. VCF-style (leftmost placement, unchanged base first): chr17-78997498-CG-C. GRCh37 (hg19) VCF-style: chr17-76993580-CG-C.
Other names: c.124del, p.Arg42fs (NM_001159772.2, NM_138793.4); short protein forms R42fs.
Identifiers: ClinVar variation 2809026 (VCV002809026.3), dbSNP rs1568037159, ClinGen allele CA628016933.